The following is an entry in ClinVar:

ClinVar aggregate classification (germline): Uncertain significance (1 of 4 stars; one submission).

Conditions:
Oculofaciocardiodental syndrome (MCOPS2). Identifiers: Orphanet 2712, MedGen C1846265, MONDO:0010261, OMIM 300166.

Submission:

Labcorp Genetics (formerly Invitae), Labcorp
Classification: Uncertain significance for Oculofaciocardiodental syndrome. Last evaluated: 2022-05-18. Review status: criteria provided, single submitter. Criteria: Invitae Variant Classification Sherloc (09022015). Collection method: clinical testing. Allele origin: germline.
Comment: In summary, the available evidence is currently insufficient to determine the role of this variant in disease. Therefore, it has been classified as a Variant of Uncertain Significance. Algorithms developed to predict the effect of missense changes on protein structure and function are either unavailable or do not agree on the potential impact of this missense change (SIFT: "Deleterious"; PolyPhen-2: "Benign"; Align-GVGD: "Class C15"). This variant has not been reported in the literature in individuals affected with BCOR-related conditions. This variant is not present in population databases (gnomAD no frequency). This sequence change replaces threonine, which is neutral and polar, with arginine, which is basic and polar, at codon 329 of the BCOR protein (p.Thr329Arg).

NM_001123385.2(BCOR):c.986C>G (p.Thr329Arg)

Genes: BCOR (BCL6 corepressor; minus strand), LOC126863239 (MED14-independent group 3 enhancer GRCh37_chrX:39932994-39934193; plus strand). Cytogenetic location: Xp11.4.
Variant type: single nucleotide variant.
Coding change: c.986C>G on transcript NM_001123385.2 (MANE Select); coding-DNA position 986, C replaced by G.
Protein change: p.Thr329Arg; replaces threonine 329 with arginine.
Molecular consequence: missense variant.
Genome position (GRCh38, 1-based): chrX:40,074,360, G>C on the plus strand (C>G on the coding strand, the complement: BCOR is on the minus strand). VCF-style: chrX-40074360-G-C. GRCh37 (hg19) VCF-style: chrX-39933613-G-C.
Other names: c.986C>G, p.Thr329Arg (NM_001123383.2, NM_001123384.2, NM_017745.6); short protein forms T329R.
Identifiers: ClinVar variation 1995844 (VCV001995844.4), dbSNP rs2520064427, ClinGen allele CA412747552.